The following is an entry in ClinVar:

NM_007215.4(POLG2):c.851G>A (p.Arg284Gln)

Genes: MILR1 (mast cell immunoglobulin like receptor 1; plus strand), POLG2 (DNA polymerase gamma 2, accessory subunit; minus strand). Cytogenetic location: 17q23.3.
Variant type: single nucleotide variant.
Coding change: c.851G>A on transcript NM_007215.4 (MANE Select); coding-DNA position 851, G replaced by A.
Protein change: p.Arg284Gln; replaces arginine 284 with glutamine.
Molecular consequence: missense variant.
Genome position (GRCh38, 1-based): chr17:64,490,914, C>T on the plus strand (G>A on the coding strand, the complement: POLG2 is on the minus strand). VCF-style: chr17-64490914-C-T. GRCh37 (hg19) VCF-style: chr17-62487031-C-T.
Other names: short protein forms R284Q.
Identifiers: ClinVar variation 1343951 (VCV001343951.32), dbSNP rs782115619, ClinGen allele CA8712905.
Genomic context (GRCh38, chr17:64,490,914, plus strand): 5'-CACAGGGTTTCTATTAACTCCTTTCCCCAGGGAAAATTGTAGTAAAGTTTGTTTCCTTTC[C>T]GGCCTTCTTCATCCTGACAGTCACTGCTGCTGAAGTTAGATGGACTCATGGCAAACTGGA-3'
Protein context (NP_009146.2, residues 274-294): SSSDCQDEEG[Arg284Gln]KGNKLYYNFP

ClinVar aggregate classification (germline): Uncertain significance. Review status: criteria provided, multiple submitters, no conflicts (2 of 4 stars). 4 submissions from 4 submitters: Uncertain significance (4). Last evaluated 2026-01-31.

Conditions:
Hereditary spastic paraplegia. Also called: Familial spastic paraparesis. Identifiers: Orphanet 685, MedGen C0037773, MONDO:0019064. Disease mechanism: loss of function.

Allele frequency attached by ClinVar (database versions not stated): ExAC 0.00004; gnomAD 0.00004 and 0.00003; gnomAD exomes 0.00003; TOPMed 0.00003.
gnomAD v4.1: 54 of 1,613,638 alleles (0.0033%); highest among the groups gnomAD compares: Non-Finnish European, 0.0041%; no homozygotes.

Submissions (4):

Labcorp Genetics (formerly Invitae), Labcorp
Classification: Uncertain significance. Last evaluated: 2026-01-31. Review status: criteria provided, single submitter. Criteria: Invitae Variant Classification Sherloc (09022015). Collection method: clinical testing. Allele origin: germline.
Comment: This sequence change replaces arginine, which is basic and polar, with glutamine, which is neutral and polar, at codon 284 of the POLG2 protein (p.Arg284Gln). This variant is present in population databases (rs782115619, gnomAD 0.009%). This variant has not been reported in the literature in individuals affected with POLG2-related conditions. ClinVar contains an entry for this variant (Variation ID: 1343951). An algorithm developed to predict the effect of missense changes on protein structure and function (PolyPhen-2) suggests that this variant is likely to be disruptive. In summary, the available evidence is currently insufficient to determine the role of this variant in disease. Therefore, it has been classified as a Variant of Uncertain Significance.

Ambry Genetics
Classification: Uncertain significance. Last evaluated: 2023-12-13. Review status: criteria provided, single submitter. Criteria: Ambry Variant Classification Scheme 2023. Collection method: clinical testing. Allele origin: germline.

CeGaT Center for Human Genetics Tuebingen
Classification: Uncertain significance. Last evaluated: 2022-10-01. Review status: criteria provided, single submitter. Criteria: CeGaT Center For Human Genetics Tuebingen Variant Classification Criteria Version 2. Collection method: clinical testing. Allele origin: germline. Affected: yes. Observed: 1 variant allele.

Genome Diagnostics Laboratory, The Hospital for Sick Children
Classification: Uncertain significance for Hereditary spastic paraplegia. Last evaluated: 2016-12-12. Review status: criteria provided, single submitter. Criteria: ACMG Guidelines, 2015. Collection method: clinical testing. Allele origin: germline. Affected: yes.